The following is an entry in ClinVar:

NM_006514.4(SCN10A):c.672A>T (p.Lys224Asn)

Gene: SCN10A (sodium voltage-gated channel alpha subunit 10; minus strand). Cytogenetic location: 3p22.2.
Variant type: single nucleotide variant.
Coding change: c.672A>T on transcript NM_006514.4 (MANE Select); coding-DNA position 672, A replaced by T.
Protein change: p.Lys224Asn; replaces lysine 224 with asparagine.
Molecular consequence: missense variant.
Genome position (GRCh38, 1-based): chr3:38,763,524, T>A on the plus strand (A>T on the coding strand, the complement: SCN10A is on the minus strand). VCF-style: chr3-38763524-T-A. GRCh37 (hg19) VCF-style: chr3-38805015-T-A.
Other names: c.672A>T, p.Lys224Asn (NM_001293306.2, NM_001293307.2); short protein forms K224N.
Identifiers: ClinVar variation 4750675 (VCV004750675.1).
Genomic context (GRCh38, chr3:38,763,524, plus strand): 5'-GGCTGTGAAAACCAACATATGCTCTGTGAATAAATGCTCACCTGGGATCACAGAAACTGT[T>A]TTTAATGCTCTAAGAACTCTGAATGTCCGCAGGCCTGAGATCCCACGGAGATCTATTGCT-3'
Protein context (NP_006505.4, residues 214-234): LRTFRVLRAL[Lys224Asn]TVSVIPGLKV

ClinVar aggregate classification (germline): Uncertain significance (1 of 4 stars; one submission).

Conditions:
Brugada syndrome. Also called: Sudden Unexplained Death Syndrome; Sudden Unexplained Nocturnal Death Syndrome (SUNDS); Sudden unexplained nocturnal death syndrome; Sudden unexpected nocturnal death syndrome. Identifiers: Orphanet 130, MedGen C1142166, MONDO:0015263.

Submission:

Labcorp Genetics (formerly Invitae), Labcorp
Classification: Uncertain significance for Brugada syndrome. Last evaluated: 2025-02-07. Review status: criteria provided, single submitter. Criteria: Invitae Variant Classification Sherloc (09022015). Collection method: clinical testing. Allele origin: germline.
Comment: This sequence change replaces lysine, which is basic and polar, with asparagine, which is neutral and polar, at codon 224 of the SCN10A protein (p.Lys224Asn). This variant is present in population databases (no rsID available, gnomAD 0.0009%). This variant has not been reported in the literature in individuals affected with SCN10A-related conditions. Invitae Evidence Modeling of protein sequence and biophysical properties (such as structural, functional, and spatial information, amino acid conservation, physicochemical variation, residue mobility, and thermodynamic stability) has been performed for this missense variant. However, the output from this modeling did not meet the statistical confidence thresholds required to predict the impact of this variant on SCN10A protein function. In summary, the available evidence is currently insufficient to determine the role of this variant in disease. Therefore, it has been classified as a Variant of Uncertain Significance.